The following is an entry in ClinVar:

ClinVar aggregate classification (germline): Uncertain significance. Review status: criteria provided, multiple submitters, no conflicts (2 of 4 stars). 2 submissions from 2 submitters: Uncertain significance (2). Last evaluated 2023-02-17.

Conditions:
Cataract 6 multiple types. Also called: CATARACT 6, POSTERIOR POLAR; CATARACT 6, CONGENITAL TOTAL; CATARACT, AGE-RELATED CORTICAL, 2. Identifiers: Orphanet 91492, MedGen C1861825, MONDO:0007288, OMIM 116600.

Allele frequency attached by ClinVar (database versions not stated): ExAC 0.00001; gnomAD 0.00001; TOPMed 0.00002; gnomAD exomes 0.00003.
gnomAD v4.1: 48 of 1,612,416 alleles (0.003%); highest among the groups gnomAD compares: Non-Finnish European, 0.0038%; no homozygotes.

Submissions (2):

GeneDx
Classification: Uncertain significance. Last evaluated: 2023-02-17. Review status: criteria provided, single submitter. Criteria: GeneDx Variant Classification Process June 2021. Collection method: clinical testing. Allele origin: germline. Affected: yes.
Comment: In silico analysis supports that this missense variant has a deleterious effect on protein structure/function; Has not been previously published as pathogenic or benign to our knowledge

Labcorp Genetics (formerly Invitae), Labcorp
Classification: Uncertain significance for Cataract 6 multiple types. Last evaluated: 2023-01-26. Review status: criteria provided, single submitter. Criteria: Invitae Variant Classification Sherloc (09022015). Collection method: clinical testing. Allele origin: germline.
Comment: In summary, the available evidence is currently insufficient to determine the role of this variant in disease. Therefore, it has been classified as a Variant of Uncertain Significance. Advanced modeling of protein sequence and biophysical properties (such as structural, functional, and spatial information, amino acid conservation, physicochemical variation, residue mobility, and thermodynamic stability) performed at Invitae indicates that this missense variant is expected to disrupt EPHA2 protein function. This variant has not been reported in the literature in individuals affected with EPHA2-related conditions. This variant is present in population databases (rs775894984, gnomAD 0.002%). This sequence change replaces threonine, which is neutral and polar, with methionine, which is neutral and non-polar, at codon 526 of the EPHA2 protein (p.Thr526Met).

NM_004431.5(EPHA2):c.1577C>T (p.Thr526Met)

Gene: EPHA2 (EPH receptor A2; minus strand). Cytogenetic location: 1p36.13.
Variant type: single nucleotide variant.
Coding change: c.1577C>T on transcript NM_004431.5 (MANE Select); coding-DNA position 1577, C replaced by T.
Protein change: p.Thr526Met; replaces threonine 526 with methionine.
Molecular consequence: missense variant.
Genome position (GRCh38, 1-based): chr1:16,135,041, G>A on the plus strand (C>T on the coding strand, the complement: EPHA2 is on the minus strand). VCF-style: chr1-16135041-G-A. GRCh37 (hg19) VCF-style: chr1-16461536-G-A.
Other names: c.1415C>T, p.Thr472Met (NM_001329090.2); short protein forms T472M, T526M.
Identifiers: ClinVar variation 2576708 (VCV002576708.4), dbSNP rs775894984, ClinGen allele CA625141.